The following is an entry in ClinVar:

ClinVar aggregate classification (germline): Uncertain significance (1 of 4 stars; one submission).

Conditions:
Anterior segment dysgenesis. Also called: Ocular anterior segment dysgenesis. Identifiers: Orphanet 88632, MedGen C1862839, MONDO:0019503, HP:0007700.
Congenital primary aphakia. Also called: Anterior segment dysgenesis 2, multiple subtypes; ANTERIOR SEGMENT DYSGENESIS 2. Identifiers: Orphanet 83461, MedGen C1853230, MONDO:0012456, OMIM 610256.

Submission:

Labcorp Genetics (formerly Invitae), Labcorp
Classification: Uncertain significance for Anterior segment dysgenesis; Congenital primary aphakia. Last evaluated: 2025-11-13. Review status: criteria provided, single submitter. Criteria: Invitae Variant Classification Sherloc (09022015). Collection method: clinical testing. Allele origin: germline.
Comment: This sequence change replaces serine, which is neutral and polar, with phenylalanine, which is neutral and non-polar, at codon 258 of the FOXE3 protein (p.Ser258Phe). This variant is not present in population databases (gnomAD no frequency). This variant has not been reported in the literature in individuals affected with FOXE3-related conditions. ClinVar contains an entry for this variant (Variation ID: 2952367). Invitae Evidence Modeling of protein sequence and biophysical properties (such as structural, functional, and spatial information, amino acid conservation, physicochemical variation, residue mobility, and thermodynamic stability) has been performed for this missense variant. However, the output from this modeling did not meet the statistical confidence thresholds required to predict the impact of this variant on FOXE3 protein function. In summary, the available evidence is currently insufficient to determine the role of this variant in disease. Therefore, it has been classified as a Variant of Uncertain Significance.

NM_012186.3(FOXE3):c.773C>T (p.Ser258Phe)

Genes: FOXE3 (forkhead box E3; plus strand), LINC01389 (long independently transcribed non-coding RNA 1389; minus strand). Cytogenetic location: 1p33.
Variant type: single nucleotide variant.
Coding change: c.773C>T on transcript NM_012186.3 (MANE Select); coding-DNA position 773, C replaced by T.
Protein change: p.Ser258Phe; replaces serine 258 with phenylalanine.
Molecular consequence: missense variant.
Genome position (GRCh38, 1-based): chr1:47,417,088, C>T. VCF-style: chr1-47417088-C-T. GRCh37 (hg19) VCF-style: chr1-47882760-C-T.
Other names: short protein forms S258F.
Identifiers: ClinVar variation 2952367 (VCV002952367.3), dbSNP rs2521322710, ClinGen allele CA340250691.